The following is an entry in ClinVar:

ClinVar aggregate classification (germline): Conflicting classifications of pathogenicity. Review status: criteria provided, conflicting classifications (1 of 4 stars). 8 submissions from 8 submitters: Uncertain significance (2); Likely benign (4). 2 of the submissions do not count toward it. Last evaluated 2026-01-07.

Conditions:
Hereditary cancer-predisposing syndrome. Also called: Neoplastic Syndromes, Hereditary; Tumor predisposition; Hereditary Cancer Syndrome; Hereditary neoplastic syndrome. Identifiers: Orphanet 140162, MedGen C0027672, MeSH D009386, MONDO:0015356.
Hereditary breast ovarian cancer syndrome. Also called: Hereditary breast and ovarian cancer syndrome; Hereditary breast and ovarian cancer; Hereditary breast and ovarian cancer syndrome (HBOC); Breast and ovarian cancer; Hereditary breast and/or ovarian cancer syndrome; BRCA1- and BRCA2-Associated Hereditary Breast and Ovarian Cancer. Identifiers: Orphanet 145, MedGen C0677776, MeSH D061325, MONDO:0003582. Disease mechanism: loss of function.
Breast-ovarian cancer, familial, susceptibility to, 2 (BROVCA2). Also called: BRCA2 Hereditary Breast and Ovarian Cancer. Identifiers: Orphanet 145, MedGen C2675520, MONDO:0012933, OMIM 612555. Disease mechanism: loss of function.

Allele frequency attached by ClinVar (database versions not stated): gnomAD exomes below 0.00001; gnomAD 0.00001.
gnomAD v4.1: 3 of 1,613,650 alleles (0.00019%); highest among the groups gnomAD compares: East Asian, 0.0022%; no homozygotes.

Submissions (8):

Women's Health and Genetics/Laboratory Corporation of America, LabCorp
Classification: Likely benign. Last evaluated: 2026-01-07. Review status: criteria provided, single submitter. Criteria: LabCorp Variant Classification Summary - May 2015. Collection method: clinical testing. Allele origin: germline.
Comment: Variant summary: BRCA2 c.2837A>G (p.Asp946Gly) results in a non-conservative amino acid change in the encoded protein sequence. Algorithms developed to predict the effect of missense changes on protein structure and function are either unavailable or do not agree on the potential impact of this missense change. The variant allele was found at a frequency of 4e-06 in 250610 control chromosomes. The available data on variant occurrences in the general population are insufficient to allow any conclusion about variant significance. c.2837A>G has been reported in at least one individual affected with breast cancer (Encinas_2018). These report(s) do not provide unequivocal conclusions about association of the variant with Hereditary Breast And Ovarian Cancer Syndrome. Co-occurrences with other pathogenic variant(s) in the NHGRI BIC database have been reported (BRCA2 c.5454delA, p.Cys1820AlafsX20), providing supporting evidence for a benign role. At least one publication reports experimental evidence evaluating an impact on protein function (Biswas_2023). These results showed no damaging effect of this variant. The following publications have been ascertained in the context of this evaluation (PMID: 37922907, 20858050, 29854292, 23929434). ClinVar contains an entry for this variant (Variation ID: 51358). Based on the evidence outlined above, the variant was classified as likely benign.

Labcorp Genetics (formerly Invitae), Labcorp
Classification: Likely benign for Hereditary breast ovarian cancer syndrome. Last evaluated: 2024-10-20. Review status: criteria provided, single submitter. Criteria: Invitae Variant Classification Sherloc (09022015). Collection method: clinical testing. Allele origin: germline.

University of Washington Department of Laboratory Medicine, University of Washington
Classification: Likely benign for Hereditary cancer-predisposing syndrome. Last evaluated: 2023-03-23. Review status: criteria provided, single submitter. Criteria: Dines et al. (Genet Med. 2020). Collection method: curation. Allele origin: germline.
Comment: Missense variant in a coldspot region where missense variants are very unlikely to be pathogenic (PMID:31911673).

BRCA2 exon 11 coldspot. Reclassification based on statistical prior probability.

GeneDx
Classification: Uncertain significance. Last evaluated: 2023-03-08. Review status: criteria provided, single submitter. Criteria: GeneDx Variant Classification Process June 2021. Collection method: clinical testing. Allele origin: germline. Affected: yes.
Comment: In silico analysis supports that this missense variant has a deleterious effect on protein structure/function; Not observed at significant frequency in large population cohorts (gnomAD); Also known as 3065A>G; This variant is associated with the following publications: (PMID: 23929434, 20858050, 29884841, 32377563, 29854292)

Color Diagnostics, LLC DBA Color Health
Classification: Uncertain significance for Hereditary cancer-predisposing syndrome. Last evaluated: 2020-09-08. Review status: criteria provided, single submitter. Criteria: ACMG Guidelines, 2015. Collection method: clinical testing. Allele origin: germline.
Comment: This missense variant replaces aspartic acid with glycine at codon 946 of the BRCA2 protein. Computational prediction suggests that this variant may not impact protein structure and function (internally defined REVEL score threshold <= 0.5, PMID: 27666373). To our knowledge, functional studies have not been reported for this variant. This variant has been reported in an individual affected with breast cancer (PMID: 29854292). This variant has also been identified in 1/250610 chromosomes in the general population by the Genome Aggregation Database (gnomAD). The available evidence is insufficient to determine the role of this variant in disease conclusively. Therefore, this variant is classified as a Variant of Uncertain Significance.

Ambry Genetics
Classification: Likely benign for Hereditary cancer-predisposing syndrome. Last evaluated: 2018-04-30. Review status: criteria provided, single submitter. Criteria: Ambry Variant Classification Scheme 2023. Collection method: clinical testing. Allele origin: germline.

Counsyl
Classification: Uncertain significance for Breast-ovarian cancer, familial, susceptibility to, 2. Last evaluated: 2018-06-04. Review status: no assertion criteria provided. Collection method: clinical testing. Allele origin: unknown. Not counted in ClinVar's aggregate classification.

Breast Cancer Information Core (BIC) (BRCA2)
Classification: Uncertain significance for Breast-ovarian cancer, familial 2. Review status: no assertion criteria provided. Collection method: clinical testing. Allele origin: germline. Affected: yes. Observed: 1 variant allele. Not counted in ClinVar's aggregate classification.

Literature cited by the submitters: PubMed 20858050 (cited by Women's Health and Genetics/Laboratory Corporation of America, LabCorp); PubMed 23929434 (cited by Women's Health and Genetics/Laboratory Corporation of America, LabCorp); PubMed 29854292 (cited by Women's Health and Genetics/Laboratory Corporation of America, LabCorp); PubMed 37922907 (cited by Women's Health and Genetics/Laboratory Corporation of America, LabCorp).

NM_000059.4(BRCA2):c.2837A>G (p.Asp946Gly)

Gene: BRCA2 (BRCA2 DNA repair associated; plus strand). Cytogenetic location: 13q13.1.
Variant type: single nucleotide variant.
Coding change: c.2837A>G on transcript NM_000059.4 (MANE Select); coding-DNA position 2837, A replaced by G.
Protein change: p.Asp946Gly; replaces aspartic acid 946 with glycine.
Molecular consequence: missense variant.
Genome position (GRCh38, 1-based): chr13:32,337,192, A>G. VCF-style: chr13-32337192-A-G. GRCh37 (hg19) VCF-style: chr13-32911329-A-G.
Other names: p.D946G:GAT>GGT; short protein forms D946G.
Identifiers: ClinVar variation 51358 (VCV000051358.31), dbSNP rs55972907, ClinGen allele CA016584.